The following is an entry in ClinVar:

ClinVar aggregate classification (germline): Likely benign. Review status: reviewed by expert panel (3 of 4 stars). 2 submissions from 2 submitters: Likely benign (1). 1 of the submissions does not count toward it. Last evaluated 2024-07-11.

Conditions:
Hereditary thrombocytopenia and hematologic cancer predisposition syndrome. Identifiers: Orphanet 71290, MedGen CN281654, MONDO:0011071.
Hereditary thrombocytopenia and hematological cancer predisposition syndrome associated with RUNX1. Also called: RUNX1 Familial Platelet Disorder with Associated Myeloid Malignancies; Familial Platelet Disorder with Propensity to Acute Myelogenous Leukemia; Familial thrombocytopenia with propensity to acute myelogenous leukemia; PLATELET DISORDER, ASPIRIN-LIKE. Identifiers: Orphanet 71290, MedGen C1832388, MeSH C563324, MONDO:0100083, OMIM 601399.

Allele frequency attached by ClinVar (database versions not stated): gnomAD exomes below 0.00001.
gnomAD v4.1: 2 of 1,613,206 alleles (0.00012%); highest among the groups gnomAD compares: African/African-American, 0.0013%; no homozygotes.

Submissions (2):

ClinGen Myeloid Malignancy Variant Curation Expert Panel
Classification: Likely benign for Hereditary thrombocytopenia and hematologic cancer predisposition syndrome. Last evaluated: 2024-07-11. Review status: reviewed by expert panel. Criteria: ClinGen MyeloMalig ACMG Specifications v2. Collection method: curation. Allele origin: germline. Inheritance: Autosomal dominant inheritance.
Comment: NM_001754.5:c.806-15T>C is an intronic variant occurring in intron 7. This variant is completely absent from all population databases, including gnomAD v2.1.1 and v3.1.2, which have coverage of at least 20x for the RUNX1 gene at this position (PM2_supporting). Additionally, the variant has SpliceAI ∆ scores of ≤ 0.20, with a prediction of 0.04 for the loss of the acceptor splice site and of 0.03 for the loss of the donor splice site, thus indicating a low likelihood of altering splicing (BP4). Evolutionary conservation algorithms also suggest that the site is not conserved, as indicated by a PhyloPway score of 0.647, which is below the threshold of 2.0 (BP7). Furthermore, there is no known previous report of this variant to our knowledge. In summary, this variant meets the criteria to be classified as likely benign according to ACMG/AMP criteria, as specified by the Myeloid Malignancy Variant Curation Expert Panel for RUNX1: PM2_supporting, BP4, BP7 PM2_supporting.

Labcorp Genetics (formerly Invitae), Labcorp
Classification: Likely benign for Hereditary thrombocytopenia and hematological cancer predisposition syndrome associated with RUNX1. Last evaluated: 2023-11-10. Review status: criteria provided, single submitter. Criteria: Invitae Variant Classification Sherloc (09022015). Collection method: clinical testing. Allele origin: germline. Not counted in ClinVar's aggregate classification.

NM_001754.5(RUNX1):c.806-15T>C

Gene: RUNX1 (RUNX family transcription factor 1; minus strand). Cytogenetic location: 21q22.12.
Variant type: single nucleotide variant.
Coding change: c.806-15T>C on transcript NM_001754.5 (MANE Select); 15 bases into the intron before coding-DNA position 806, T replaced by C.
Molecular consequence: intron variant.
Genome position (GRCh38, 1-based): chr21:34,799,477, A>G on the plus strand (T>C on the coding strand, the complement: RUNX1 is on the minus strand). VCF-style: chr21-34799477-A-G. GRCh37 (hg19) VCF-style: chr21-36171774-A-G.
Other names: c.725-15T>C (NM_001001890.3).
Identifiers: ClinVar variation 2164411 (VCV002164411.5), dbSNP rs2516864181, ClinGen allele CA2577490158.